The following is an entry in ClinVar:

NM_007194.4(CHEK2):c.1106T>C (p.Phe369Ser)

Gene: CHEK2 (checkpoint kinase 2; minus strand). Cytogenetic location: 22q12.1.
Variant type: single nucleotide variant.
Coding change: c.1106T>C on transcript NM_007194.4 (MANE Select); coding-DNA position 1106, T replaced by C.
Protein change: p.Phe369Ser; replaces phenylalanine 369 with serine.
Molecular consequence: missense variant.
Genome position (GRCh38, 1-based): chr22:28,695,863, A>G on the plus strand (T>C on the coding strand, the complement: CHEK2 is on the minus strand). VCF-style: chr22-28695863-A-G. GRCh37 (hg19) VCF-style: chr22-29091851-A-G.
Other names: c.1235T>C, p.Phe412Ser (NM_001005735.3); c.443T>C, p.Phe148Ser (NM_001257387.3); c.905T>C, p.Phe302Ser (NM_001349956.3); c.1019T>C, p.Phe340Ser (NM_145862.3); short protein forms F148S, F369S, F412S, F302S, F340S.
Identifiers: ClinVar variation 1479869 (VCV001479869.10), dbSNP rs2145806968, ClinGen allele CA411097161.
Genomic context (GRCh38, chr22:28,695,863, plus strand): 5'-GTGGGGGTTCCACATAAGGTTCTCATGAGAGAGGTCTCTCCCAAAATCTTGGAGTGCCCA[A>G]AATCAGTAATCTAAAATTCAGTACAAAAGGGAATAATGTTGAACTTGCCATAAAATAAAA-3'
Protein context (NP_009125.1, residues 359-379): EEDCLIKITD[Phe369Ser]GHSKILGETS

ClinVar aggregate classification (germline): Uncertain significance. Review status: criteria provided, multiple submitters, no conflicts (2 of 4 stars). 2 submissions from 2 submitters: Uncertain significance (2). Last evaluated 2024-03-19.

Conditions:
Hereditary cancer-predisposing syndrome. Also called: Tumor predisposition; Hereditary Cancer Syndrome; Hereditary neoplastic syndrome; Neoplastic Syndromes, Hereditary. Identifiers: Orphanet 140162, MedGen C0027672, MeSH D009386, MONDO:0015356.
Familial cancer of breast. Also called: hereditary breast carcinoma; Hereditary breast cancer; BREAST CANCER, FAMILIAL. Identifiers: Orphanet 227535, MedGen C0346153, MONDO:0016419, OMIM 114480. Disease mechanism: loss of function.

Submissions (2):

Ambry Genetics
Classification: Uncertain significance for Hereditary cancer-predisposing syndrome. Last evaluated: 2024-03-19. Review status: criteria provided, single submitter. Criteria: Ambry Variant Classification Scheme 2023. Collection method: clinical testing. Allele origin: germline.
Comment: The p.F369S variant (also known as c.1106T>C), located in coding exon 10 of the CHEK2 gene, results from a T to C substitution at nucleotide position 1106. The phenylalanine at codon 369 is replaced by serine, an amino acid with highly dissimilar properties. This amino acid position is conserved. In addition, this alteration is predicted to be deleterious by in silico analysis. Based on the available evidence, the clinical significance of this alteration remains unclear.

Labcorp Genetics (formerly Invitae), Labcorp
Classification: Uncertain significance for Familial cancer of breast. Last evaluated: 2023-11-02. Review status: criteria provided, single submitter. Criteria: Invitae Variant Classification Sherloc (09022015). Collection method: clinical testing. Allele origin: germline.
Comment: This sequence change replaces phenylalanine, which is neutral and non-polar, with serine, which is neutral and polar, at codon 369 of the CHEK2 protein (p.Phe369Ser). This variant is not present in population databases (gnomAD no frequency). This variant has not been reported in the literature in individuals affected with CHEK2-related conditions. ClinVar contains an entry for this variant (Variation ID: 1479869). An algorithm developed to predict the effect of missense changes on protein structure and function (PolyPhen-2) suggests that this variant is likely to be disruptive. In summary, the available evidence is currently insufficient to determine the role of this variant in disease. Therefore, it has been classified as a Variant of Uncertain Significance.